The following is an entry in ClinVar:

NM_014956.5(CEP164):c.2942_2943del (p.Glu981fs)

Gene: CEP164 (centrosomal protein 164; plus strand). Cytogenetic location: 11q23.3.
Variant type: Deletion.
Coding change: c.2942_2943del on transcript NM_014956.5 (MANE Select); coding-DNA positions 2942 to 2943, 2 bases deleted (AG; older notation c.2942_2943delAG).
Protein change: p.Glu981fs; shifts the reading frame from glutamic acid 981.
Molecular consequence: frameshift variant.
Genome position (GRCh38, 1-based): chr11:117,395,575-117,395,576, AG deleted; deleting any 2 consecutive bases within chr11:117,395,574-117,395,576 gives the same sequence; the c. name uses the placement nearest the transcript's 3' end. VCF-style (leftmost placement, unchanged base first): chr11-117395573-GGA-G. GRCh37 (hg19) VCF-style: chr11-117266289-GGA-G.
Other names: c.2951_2952del, p.Glu984fs (NM_001271933.2); short protein forms E981fs, E984fs.
Identifiers: ClinVar variation 1431411 (VCV001431411.6), dbSNP rs2136450623, ClinGen allele CA2573146824.

ClinVar aggregate classification (germline): Pathogenic (1 of 4 stars; one submission).

Conditions:
Nephronophthisis 15 (NPHP15). Identifiers: Orphanet 3156, MedGen C3541853, MONDO:0013917, OMIM 614845.

Submission:

Labcorp Genetics (formerly Invitae), Labcorp
Classification: Pathogenic for Nephronophthisis 15. Last evaluated: 2021-12-13. Review status: criteria provided, single submitter. Criteria: Invitae Variant Classification Sherloc (09022015). Collection method: clinical testing. Allele origin: germline.
Comment: This variant is not present in population databases (gnomAD no frequency). For these reasons, this variant has been classified as Pathogenic. This variant has not been reported in the literature in individuals affected with CEP164-related conditions. This sequence change creates a premature translational stop signal (p.Glu981Glyfs*21) in the CEP164 gene. It is expected to result in an absent or disrupted protein product. Loss-of-function variants in CEP164 are known to be pathogenic (PMID: 22863007, 28125082, 32367404, 34132027, 34499853).

Literature cited by the submitters: PubMed 22863007; PubMed 28125082; PubMed 32367404; PubMed 34132027; PubMed 34499853.